The following is an entry in ClinVar:

ClinVar aggregate classification (germline): Pathogenic (1 of 4 stars; one submission).

Submission:

Labcorp Genetics (formerly Invitae), Labcorp
Classification: Pathogenic. Last evaluated: 2022-10-28. Review status: criteria provided, single submitter. Criteria: Invitae Variant Classification Sherloc (09022015). Collection method: clinical testing. Allele origin: germline.
Comment: For these reasons, this variant has been classified as Pathogenic. This variant disrupts a region of the ACAD9 protein in which other variant(s) (p.Pro616Ser) have been determined to be pathogenic (PMID: 25326637, 30831263). This suggests that this is a clinically significant region of the protein, and that variants that disrupt it are likely to be disease-causing. This variant has not been reported in the literature in individuals affected with ACAD9-related conditions. This variant is not present in population databases (gnomAD no frequency). This sequence change creates a premature translational stop signal (p.Leu583Trpfs*9) in the ACAD9 gene. While this is not anticipated to result in nonsense mediated decay, it is expected to disrupt the last 39 amino acid(s) of the ACAD9 protein.

Literature cited by the submitters: PubMed 25326637; PubMed 30831263.

NM_014049.5(ACAD9):c.1747_1756del (p.Leu583fs)

Genes: ACAD9 (acyl-CoA dehydrogenase family member 9; plus strand), CFAP92 (cilia and flagella associated protein 92 (putative); minus strand). Cytogenetic location: 3q21.3.
Variant type: Deletion.
Coding change: c.1747_1756del on transcript NM_014049.5 (MANE Select); coding-DNA positions 1747 to 1756, 10 bases deleted (CTCTCTCAGC; older notation c.1747_1756delCTCTCTCAGC).
Protein change: p.Leu583fs; shifts the reading frame from leucine 583.
Molecular consequence: frameshift variant. On other transcripts: non-coding transcript variant (1), intron variant (3).
Genome position (GRCh38, 1-based): chr3:128,910,795-128,910,804, CTCTCTCAGC deleted; deleting any 10 consecutive bases within chr3:128,910,790-128,910,804 gives the same sequence; the c. name uses the placement nearest the transcript's 3' end. VCF-style (leftmost placement, unchanged base first): chr3-128910789-TTCAGCCTCTC-T. GRCh37 (hg19) VCF-style: chr3-128629632-TTCAGCCTCTC-T.
Other names: c.1378_1387del, p.Leu460fs (NM_001410805.1); c.2312-466_2312-457del (NM_001348521.2); c.2408-466_2408-457del (NM_001348520.2); c.3281-466_3281-457del (NM_001394090.1); short protein forms L583fs, L460fs.
Identifiers: ClinVar variation 2422054 (VCV002422054.5), dbSNP rs2529287706, ClinGen allele CA2580068747.
Genomic context (GRCh38, chr3:128,910,789, plus strand): 5'-CGGTTCTGGCAGGTTCTCTTGGCCAACACCTTCTGCGTGGAAGCTTACTTGCAGAATCTC[TTCAGCCTCTC>T]TCAGCTGGACAAGTGTGAGTGGCATGTCTTGGGGGAGGGAAGGAAGGGCCCACTTCTAGG-3'